The following is an entry in ClinVar:

NM_053025.4(MYLK):c.4844C>T (p.Ala1615Val)

Gene: MYLK (myosin light chain kinase; minus strand). Cytogenetic location: 3q21.1.
Variant type: single nucleotide variant.
Coding change: c.4844C>T on transcript NM_053025.4 (MANE Select); coding-DNA position 4844, C replaced by T.
Protein change: p.Ala1615Val; replaces alanine 1615 with valine.
Molecular consequence: missense variant.
Genome position (GRCh38, 1-based): chr3:123,638,188, G>A on the plus strand (C>T on the coding strand, the complement: MYLK is on the minus strand). VCF-style: chr3-123638188-G-A. GRCh37 (hg19) VCF-style: chr3-123357035-G-A.
Other names: c.4316C>T, p.Ala1439Val (NM_001321309.2); c.4637C>T, p.Ala1546Val (NM_053026.4, NM_053028.4); c.4844C>T, p.Ala1615Val (NM_053027.4); short protein forms A1615V, A1439V, A1546V.
Identifiers: ClinVar variation 180446 (VCV000180446.9), dbSNP rs202177283, ClinGen allele CA024859.
Genomic context (GRCh38, chr3:123,638,188, plus strand): 5'-TAGTTGATCACTTCAGGAGCCACAAATTCTGGGGTGCCAAAGAGGACCTTCAGAGACCCC[G>A]CATTCTCTGAAACCAGGATGGAGAGGGATAAATTGCCAGCACATCACGGAGCCAGCTTGA-3'
Protein context (NP_444253.3, residues 1605-1625): DFGLARRLEN[Ala1615Val]GSLKVLFGTP

ClinVar aggregate classification (germline): Conflicting classifications of pathogenicity. Review status: criteria provided, conflicting classifications (1 of 4 stars). 3 submissions from 3 submitters: Uncertain significance (1); Benign (1); Likely benign (1). Last evaluated 2025-10-13.

Conditions:
Aortic aneurysm, familial thoracic 7 (AAT7). Also called: AORTIC DISSECTION, FAMILIAL, WITH OR WITHOUT AORTIC ANEURYSM. Identifiers: MedGen C3151077, MONDO:0013418, OMIM 613780.
Familial thoracic aortic aneurysm and aortic dissection (TAAD). Also called: Thoracic aortic aneurysms and dissections. Identifiers: Orphanet 91387, MedGen C4707243, MONDO:0019625.

Allele frequency attached by ClinVar (database versions not stated): TOPMed 0.00001; ESP Exome Variant Server 0.00008; 1000 Genomes Project 30x 0.00016; 1000 Genomes Project 0.00020; gnomAD exomes 0.00025; gnomAD 0.00028 and 0.00030; ExAC 0.00029.
gnomAD v4.1: 209 of 1,613,800 alleles (0.013%); highest among the groups gnomAD compares: East Asian, 0.0045%; no homozygotes.

Submissions (3):

Labcorp Genetics (formerly Invitae), Labcorp
Classification: Benign for Aortic aneurysm, familial thoracic 7. Last evaluated: 2025-10-13. Review status: criteria provided, single submitter. Criteria: Invitae Variant Classification Sherloc (09022015). Collection method: clinical testing. Allele origin: germline.

Blueprint Genetics
Classification: Likely benign. Last evaluated: 2024-10-31. Review status: criteria provided, single submitter. Criteria: ACMG Guidelines, 2015. Collection method: clinical testing. Allele origin: germline.

Ambry Genetics
Classification: Uncertain significance for Familial thoracic aortic aneurysm and aortic dissection. Last evaluated: 2019-08-12. Review status: criteria provided, single submitter. Criteria: Ambry Variant Classification Scheme 2023. Collection method: clinical testing. Allele origin: germline.
Comment: The p.A1615V variant (also known as c.4844C>T), located in coding exon 26 of the MYLK gene, results from a C to T substitution at nucleotide position 4844. The alanine at codon 1615 is replaced by valine, an amino acid with similar properties, and is located in the protein kinase domain. This amino acid position is well conserved in available vertebrate species; however, valine is the reference amino acid in other vertebrate species. In addition, this alteration is predicted to be tolerated by in silico analysis. Since supporting evidence is limited at this time, the clinical significance of this alteration remains unclear.